The following is an entry in ClinVar:

ClinVar aggregate classification (germline): Uncertain significance. Review status: criteria provided, multiple submitters, no conflicts (2 of 4 stars). 2 submissions from 2 submitters: Uncertain significance (2). Last evaluated 2024-12-21.

Conditions:
Inborn genetic diseases. Identifiers: MedGen C0950123, MeSH D030342.

Allele frequency attached by ClinVar (database versions not stated): TOPMed below 0.00001.
gnomAD v4.1: 5 of 1,614,108 alleles (0.00031%); highest among the groups gnomAD compares: Admixed American, 0.005%; no homozygotes.

Submissions (2):

Ambry Genetics
Classification: Uncertain significance for Inborn genetic diseases. Last evaluated: 2024-12-21. Review status: criteria provided, single submitter. Criteria: Ambry Variant Classification Scheme 2023. Collection method: clinical testing. Allele origin: germline.

Labcorp Genetics (formerly Invitae), Labcorp
Classification: Uncertain significance. Last evaluated: 2024-11-11. Review status: criteria provided, single submitter. Criteria: Invitae Variant Classification Sherloc (09022015). Collection method: clinical testing. Allele origin: germline.
Comment: This sequence change replaces valine, which is neutral and non-polar, with alanine, which is neutral and non-polar, at codon 1011 of the POLR3A protein (p.Val1011Ala). This variant is present in population databases (no rsID available, gnomAD 0.006%). This variant has not been reported in the literature in individuals affected with POLR3A-related conditions. ClinVar contains an entry for this variant (Variation ID: 1960120). Invitae Evidence Modeling of protein sequence and biophysical properties (such as structural, functional, and spatial information, amino acid conservation, physicochemical variation, residue mobility, and thermodynamic stability) indicates that this missense variant is not expected to disrupt POLR3A protein function with a negative predictive value of 80%. In summary, the available evidence is currently insufficient to determine the role of this variant in disease. Therefore, it has been classified as a Variant of Uncertain Significance.

NM_007055.4(POLR3A):c.3032T>C (p.Val1011Ala)

Gene: POLR3A (RNA polymerase III subunit A; minus strand). Cytogenetic location: 10q22.3.
Variant type: single nucleotide variant.
Coding change: c.3032T>C on transcript NM_007055.4 (MANE Select); coding-DNA position 3032, T replaced by C.
Protein change: p.Val1011Ala; replaces valine 1011 with alanine.
Molecular consequence: missense variant.
Genome position (GRCh38, 1-based): chr10:77,985,942, A>G on the plus strand (T>C on the coding strand, the complement: POLR3A is on the minus strand). VCF-style: chr10-77985942-A-G. GRCh37 (hg19) VCF-style: chr10-79745700-A-G.
Other names: c.3032T>C (NM_007055.3); short protein forms V1011A.
Identifiers: ClinVar variation 1960120 (VCV001960120.4), dbSNP rs1323370527, ClinGen allele CA377331665.
Genomic context (GRCh38, chr10:77,985,942, plus strand): 5'-CCAAGACAAAAGCATCCCTACCTCATGTACTTGTCCCTACAGGTCTCCAGAAACTTTTCT[A>G]CTTGGGTGGGGGTGATGCGGTCCAGCTGGTACAGCACACGGGGCTGGGAGAATACAAGCC-3'
Protein context (NP_008986.2, residues 1001-1021): YQLDRITPTQ[Val1011Ala]EKFLETCRDK